The following is an entry in ClinVar:

NM_016729.3(FOLR1):c.11G>A (p.Arg4Gln)

Genes: FOLR1 (folate receptor alpha; plus strand), FOLR1-AS1 (FOLR1 antisense RNA 1; minus strand). Cytogenetic location: 11q13.4.
Variant type: single nucleotide variant.
Coding change: c.11G>A on transcript NM_016729.3 (MANE Select); coding-DNA position 11, G replaced by A.
Protein change: p.Arg4Gln; replaces arginine 4 with glutamine.
Molecular consequence: missense variant.
Genome position (GRCh38, 1-based): chr11:72,192,184, G>A. VCF-style: chr11-72192184-G-A. GRCh37 (hg19) VCF-style: chr11-71903228-G-A.
Other names: c.11G>A (NM_016725.2); c.11G>A, p.Arg4Gln (NM_000802.3, NM_016724.3, NM_016725.3); short protein forms R4Q.
Identifiers: ClinVar variation 424988 (VCV000424988.47), dbSNP rs145380453, ClinGen allele CA6169098.

ClinVar aggregate classification (germline): Conflicting classifications of pathogenicity. Review status: criteria provided, conflicting classifications (1 of 4 stars). 5 submissions from 5 submitters: Uncertain significance (4); Likely benign (1). Last evaluated 2023-10-10.

Conditions:
Inborn genetic diseases. Identifiers: MedGen C0950123, MeSH D030342.
Cerebral folate transport deficiency. Also called: FOLR1-Related Cerebral Folate Transport Deficiency; Neurodegenerative syndrome due to cerebral folate transport deficiency; FOLATE RECEPTOR DEFICIENCY; Cerebral folate deficiency syndrome; NEURODEGENERATION DUE TO CEREBRAL FOLATE TRANSPORT DEFICIENCY. Identifiers: Orphanet 217382, MedGen C2751584, MONDO:0013110, OMIM 613068. Disease mechanism: loss of function.

Allele frequency attached by ClinVar (database versions not stated): TOPMed 0.00003; ESP Exome Variant Server 0.00008.

Submissions (5):

Ambry Genetics
Classification: Likely benign for Inborn genetic diseases. Last evaluated: 2023-10-10. Review status: criteria provided, single submitter. Criteria: Ambry Variant Classification Scheme 2023. Collection method: clinical testing. Allele origin: germline.

GeneDx
Classification: Uncertain significance. Last evaluated: 2023-06-21. Review status: criteria provided, single submitter. Criteria: GeneDx Variant Classification Process June 2021. Collection method: clinical testing. Allele origin: germline. Affected: yes.
Comment: In silico analysis supports that this missense variant does not alter protein structure/function; Has not been previously published as pathogenic or benign to our knowledge

Labcorp Genetics (formerly Invitae), Labcorp
Classification: Uncertain significance for Cerebral folate transport deficiency. Last evaluated: 2022-06-07. Review status: criteria provided, single submitter. Criteria: Invitae Variant Classification Sherloc (09022015). Collection method: clinical testing. Allele origin: germline.
Comment: This sequence change replaces arginine, which is basic and polar, with glutamine, which is neutral and polar, at codon 4 of the FOLR1 protein (p.Arg4Gln). This variant is present in population databases (rs145380453, gnomAD 0.03%). This variant has not been reported in the literature in individuals affected with FOLR1-related conditions. ClinVar contains an entry for this variant (Variation ID: 424988). Algorithms developed to predict the effect of missense changes on protein structure and function output the following: SIFT: "Tolerated"; PolyPhen-2: "Benign"; Align-GVGD: "Class C0". The glutamine amino acid residue is found in multiple mammalian species, which suggests that this missense change does not adversely affect protein function. In summary, the available evidence is currently insufficient to determine the role of this variant in disease. Therefore, it has been classified as a Variant of Uncertain Significance.

CeGaT Center for Human Genetics Tuebingen
Classification: Uncertain significance. Last evaluated: 2017-01-01. Review status: criteria provided, single submitter. Criteria: CeGaT Center For Human Genetics Tuebingen Variant Classification Criteria Version 2. Collection method: clinical testing. Allele origin: germline. Affected: yes. Observed: 1 variant allele.

Breakthrough Genomics
Classification: Uncertain significance. Review status: criteria provided, single submitter. Criteria: ACMG Guidelines, 2015. Collection method: not provided. Allele origin: germline. Inheritance: Autosomal recessive inheritance. Affected: yes.